The following is an entry in ClinVar:

ClinVar aggregate classification (germline): Pathogenic/Likely pathogenic. Review status: criteria provided, multiple submitters, no conflicts (2 of 4 stars). 2 submissions from 2 submitters: Pathogenic (1); Likely pathogenic (1). Last evaluated 2025-02-10.

Conditions:
Autosomal recessive polycystic kidney disease (ARPKD). Also called: AR polycystic kidney disease. Identifiers: Orphanet 731, Orphanet 8378, MedGen C0085548, MeSH D017044, MONDO:0009889.

Submissions (2):

Natera, Inc.
Classification: Likely pathogenic for Autosomal recessive polycystic kidney disease. Last evaluated: 2025-02-10. Review status: criteria provided, single submitter. Criteria: Natera Variant Classification Schema (03/2026). Collection method: clinical testing. Allele origin: germline.
Comment: The c.10894A>T variant in PKHD1 is a nonsense variant predicted to introduce a stop codon at amino acid 3632. This variant is expected to result in nonsense mediated decay, truncation, or a dysfunctional protein product. This variant is rare in the general population with a frequency below the threshold expected for the associated phenotype(s). Given the available evidence, this variant is classified as Likely Pathogenic.

Labcorp Genetics (formerly Invitae), Labcorp
Classification: Pathogenic for Autosomal recessive polycystic kidney disease. Last evaluated: 2021-12-29. Review status: criteria provided, single submitter. Criteria: Invitae Variant Classification Sherloc (09022015). Collection method: clinical testing. Allele origin: germline.
Comment: This variant has not been reported in the literature in individuals affected with PKHD1-related conditions. This variant is not present in population databases (gnomAD no frequency). This sequence change creates a premature translational stop signal (p.Arg3632*) in the PKHD1 gene. It is expected to result in an absent or disrupted protein product. Loss-of-function variants in PKHD1 are known to be pathogenic (PMID: 19940839). For these reasons, this variant has been classified as Pathogenic.

Literature cited by the submitters: PubMed 19940839 (cited by Labcorp Genetics (formerly Invitae), Labcorp).

NM_138694.4(PKHD1):c.10894A>T (p.Arg3632Ter)

Gene: PKHD1 (PKHD1 ciliary IPT domain containing fibrocystin/polyductin; minus strand). Cytogenetic location: 6p12.3.
Variant type: single nucleotide variant.
Coding change: c.10894A>T on transcript NM_138694.4 (MANE Select); coding-DNA position 10894, A replaced by T.
Protein change: p.Arg3632Ter; replaces arginine 3632 with a stop codon.
Molecular consequence: nonsense.
Genome position (GRCh38, 1-based): chr6:51,659,232, T>A on the plus strand (A>T on the coding strand, the complement: PKHD1 is on the minus strand). VCF-style: chr6-51659232-T-A. GRCh37 (hg19) VCF-style: chr6-51524030-T-A.
Other names: c.10894A>T (NM_138694.3); short protein forms R3632*.
Identifiers: ClinVar variation 2064745 (VCV002064745.6), dbSNP rs2533437015, ClinGen allele CA364431406.